The following is an entry in ClinVar:

ClinVar aggregate classification (germline): Likely benign (1 of 4 stars; one submission).

Submission:

CeGaT Center for Human Genetics Tuebingen
Classification: Likely benign. Last evaluated: 2023-02-01. Review status: criteria provided, single submitter. Criteria: CeGaT Center For Human Genetics Tuebingen Variant Classification Criteria Version 2. Collection method: clinical testing. Allele origin: germline. Affected: yes. Observed: 1 variant allele.
Comment: SCN1A: PM2:Supporting, BP4, BP7

NM_001165963.4(SCN1A):c.1182T>C (p.Ala394=)

Gene: SCN1A (sodium voltage-gated channel alpha subunit 1; minus strand). Cytogenetic location: 2q24.3.
Variant type: single nucleotide variant.
Coding change: c.1182T>C on transcript NM_001165963.4 (MANE Select); coding-DNA position 1182, T replaced by C.
Protein change: p.Ala394=; no amino-acid change (alanine 394 retained).
Molecular consequence: synonymous variant. On other transcripts: 5 prime UTR variant (1), non-coding transcript variant (1).
Genome position (GRCh38, 1-based): chr2:166,046,965, A>G on the plus strand (T>C on the coding strand, the complement: SCN1A is on the minus strand). VCF-style: chr2-166046965-A-G. GRCh37 (hg19) VCF-style: chr2-166903475-A-G.
Other names: c.1182T>C, p.Ala394= (NM_001165964.3, NM_001202435.3, NM_001353948.2 and 10 more transcripts); c.-1244T>C (NM_001353961.2).
Identifiers: ClinVar variation 2498840 (VCV002498840.28), dbSNP rs2468182687, ClinGen allele CA429903036.